The following is an entry in ClinVar:

NM_004329.3(BMPR1A):c.1594A>C (p.Ile532Leu)

Gene: BMPR1A (bone morphogenetic protein receptor type 1A; plus strand). Cytogenetic location: 10q23.2.
Variant type: single nucleotide variant.
Coding change: c.1594A>C on transcript NM_004329.3 (MANE Select); coding-DNA position 1594, A replaced by C.
Protein change: p.Ile532Leu; replaces isoleucine 532 with leucine.
Molecular consequence: missense variant.
Genome position (GRCh38, 1-based): chr10:86,923,714, A>C. VCF-style: chr10-86923714-A-C. GRCh37 (hg19) VCF-style: chr10-88683471-A-C.
Other names: short protein forms I532L.
Identifiers: ClinVar variation 1332660 (VCV001332660.3), dbSNP rs2133626137, ClinGen allele CA377464086.

ClinVar aggregate classification (germline): Uncertain significance (1 of 4 stars; one submission).

Conditions:
Hereditary cancer-predisposing syndrome. Also called: Tumor predisposition; Hereditary Cancer Syndrome; Neoplastic Syndromes, Hereditary; Hereditary neoplastic syndrome. Identifiers: Orphanet 140162, MedGen C0027672, MeSH D009386, MONDO:0015356.

Submission:

Color Diagnostics, LLC DBA Color Health
Classification: Uncertain significance for Hereditary cancer-predisposing syndrome. Last evaluated: 2024-03-07. Review status: criteria provided, single submitter. Criteria: ACMG Guidelines, 2015. Collection method: clinical testing. Allele origin: germline.
Comment: This missense variant replaces isoleucine with leucine at codon 532 of the BMPR1A protein. Computational prediction suggests that this variant may not impact protein structure and function (internally defined REVEL score threshold <= 0.5, PMID: 27666373). To our knowledge, functional studies have not been reported for this variant. This variant has not been reported in individuals affected with hereditary cancer in the literature. This variant has not been identified in the general population by the Genome Aggregation Database (gnomAD). The available evidence is insufficient to determine the role of this variant in disease conclusively. Therefore, this variant is classified as a Variant of Uncertain Significance.